The following is an entry in ClinVar:

ClinVar aggregate classification (germline): Conflicting classifications of pathogenicity. Review status: criteria provided, conflicting classifications (1 of 4 stars). 4 submissions from 4 submitters: Uncertain significance (3); Likely benign (1). Last evaluated 2024-09-18.

Conditions:
Classic or attenuated familial adenomatous polyposis. Identifiers: MedGen CN372698, MONDO:0021057.
Hereditary cancer-predisposing syndrome. Also called: Hereditary neoplastic syndrome; Hereditary Cancer Syndrome; Neoplastic Syndromes, Hereditary; Tumor predisposition. Identifiers: Orphanet 140162, MedGen C0027672, MeSH D009386, MONDO:0015356.
Familial adenomatous polyposis 1 (FAP1). Also called: FAMILIAL ADENOMATOUS POLYPOSIS 1, ATTENUATED; POLYPOSIS, ADENOMATOUS INTESTINAL. Identifiers: MedGen C2713442, MONDO:0021056, OMIM 175100. Disease mechanism: loss of function.

Allele frequency attached by ClinVar (database versions not stated): gnomAD exomes below 0.00001.
gnomAD v4.1: 3 of 1,614,224 alleles (0.00019%); highest among the groups gnomAD compares: Non-Finnish European, 0.00025%; no homozygotes.

Submissions (4):

Labcorp Genetics (formerly Invitae), Labcorp
Classification: Likely benign for Familial adenomatous polyposis 1. Last evaluated: 2024-09-18. Review status: criteria provided, single submitter. Criteria: Invitae Variant Classification Sherloc (09022015). Collection method: clinical testing. Allele origin: germline.

Ambry Genetics
Classification: Uncertain significance for Hereditary cancer-predisposing syndrome. Last evaluated: 2024-09-13. Review status: criteria provided, single submitter. Criteria: Ambry Variant Classification Scheme 2023. Collection method: clinical testing. Allele origin: germline.
Comment: The p.L831S variant (also known as c.2492T>C), located in coding exon 15 of the APC gene, results from a T to C substitution at nucleotide position 2492. The leucine at codon 831 is replaced by serine, an amino acid with dissimilar properties. This amino acid position is highly conserved in available vertebrate species. In addition, in silico predictors for this gene do not accurately predict pathogenicity. Missense alterations in APC are not a common cause of disease (Spier I et al. Genet Med. 2024 Feb;26(2):100992). Based on the available evidence, the clinical significance of this variant remains unclear.

GeneDx
Classification: Uncertain significance. Last evaluated: 2024-02-09. Review status: criteria provided, single submitter. Criteria: GeneDx Variant Classification Process June 2021. Collection method: clinical testing. Allele origin: germline. Affected: yes.
Comment: Not observed at significant frequency in large population cohorts (gnomAD); In silico analysis supports that this missense variant does not alter protein structure/function; Has not been previously published as pathogenic or benign to our knowledge; This variant is associated with the following publications: (PMID: 29604063)

All of Us Research Program, National Institutes of Health
Classification: Uncertain significance for Classic or attenuated familial adenomatous polyposis. Last evaluated: 2023-06-08. Review status: criteria provided, single submitter. Criteria: ACMG Guidelines, 2015. Collection method: clinical testing. Allele origin: germline. Inheritance: Autosomal dominant inheritance. Observed: 1 variant allele, 1 heterozygote.
Comment: This missense variant replaces leucine with serine at codon 831 of the APC protein. Computational prediction is inconclusive regarding the impact of this variant on protein structure and function (internally defined REVEL score threshold 0.5 < inconclusive < 0.7, PMID: 27666373). To our knowledge, functional studies have not been reported for this variant. This variant has not been reported in individuals affected with APC-related disorders in the literature. This variant has not been identified in the general population by the Genome Aggregation Database (gnomAD). The available evidence is insufficient to determine the role of this variant in disease conclusively. Therefore, this variant is classified as a Variant of Uncertain Significance.

This study involves interpretation of variants in research participants for the purpose of population health screening. Participant phenotype was not available at the time of variant classification. Additional details can be found in publication PMID: 35346344, PMCID: PMC8962531

NM_000038.6(APC):c.2492T>C (p.Leu831Ser)

Gene: APC (APC regulator of Wnt signaling pathway; plus strand). Cytogenetic location: 5q22.2.
Variant type: single nucleotide variant.
Coding change: c.2492T>C on transcript NM_000038.6 (MANE Select); coding-DNA position 2492, T replaced by C.
Protein change: p.Leu831Ser; replaces leucine 831 with serine.
Molecular consequence: missense variant.
Genome position (GRCh38, 1-based): chr5:112,838,086, T>C. VCF-style: chr5-112838086-T-C. GRCh37 (hg19) VCF-style: chr5-112173783-T-C.
Other names: c.2492T>C, p.Leu831Ser (NM_001127510.3, NM_001354895.2); c.2438T>C, p.Leu813Ser (NM_001127511.3); c.2546T>C, p.Leu849Ser (NM_001354896.2); c.2522T>C, p.Leu841Ser (NM_001354897.2); c.2417T>C, p.Leu806Ser (NM_001354898.2); c.2408T>C, p.Leu803Ser (NM_001354899.2); c.2369T>C, p.Leu790Ser (NM_001354900.2); c.2315T>C, p.Leu772Ser (NM_001354901.2); and 5 more; short protein forms L813S, L831S, L548S, L803S, L806S, L849S, L671S, L740S.
Identifiers: ClinVar variation 236574 (VCV000236574.15), dbSNP rs878853427, ClinGen allele CA10582297.